The following is an entry in ClinVar:

ClinVar aggregate classification (germline): Likely benign. Review status: criteria provided, multiple submitters, no conflicts (2 of 4 stars). 2 submissions from 2 submitters: Likely benign (2). Last evaluated 2025-08-08.

Conditions:
PEX6-related disorder. Also called: PEX6-related condition; PEX6-related disorders.
Peroxisome biogenesis disorder. Identifiers: Orphanet 79189, MedGen C1832200, MONDO:0019234. Disease mechanism: loss of function.

gnomAD v4.1: 1 of 1,607,984 alleles (0.000062%); highest among the groups gnomAD compares: Non-Finnish European, 0.000085%; no homozygotes.

Submissions (2):

PreventionGenetics, part of Exact Sciences
Classification: Likely benign for PEX6-related condition. Last evaluated: 2025-08-08. Review status: criteria provided, single submitter. Criteria: ACMG Guidelines, 2015. Collection method: clinical testing. Allele origin: germline.
Comment: This variant is classified as likely benign based on ACMG/AMP sequence variant interpretation guidelines (Richards et al. 2015 PMID: 25741868, with internal and published modifications).

Labcorp Genetics (formerly Invitae), Labcorp
Classification: Likely benign for Peroxisome biogenesis disorder. Last evaluated: 2022-03-02. Review status: criteria provided, single submitter. Criteria: Invitae Variant Classification Sherloc (09022015). Collection method: clinical testing. Allele origin: germline.

NM_000287.4(PEX6):c.549C>T (p.Ser183=)

Gene: PEX6 (peroxisomal biogenesis factor 6; minus strand). Cytogenetic location: 6p21.1.
Variant type: single nucleotide variant.
Coding change: c.549C>T on transcript NM_000287.4 (MANE Select); coding-DNA position 549, C replaced by T.
Protein change: p.Ser183=; no amino-acid change (serine 183 retained).
Molecular consequence: synonymous variant. On other transcripts: non-coding transcript variant (1).
Genome position (GRCh38, 1-based): chr6:42,978,602, G>A on the plus strand (C>T on the coding strand, the complement: PEX6 is on the minus strand). VCF-style: chr6-42978602-G-A. GRCh37 (hg19) VCF-style: chr6-42946340-G-A.
Other names: c.549C>T (NM_000287.3); c.549C>T, p.Ser183= (NM_001316313.2).
Identifiers: ClinVar variation 1141414 (VCV001141414.8), dbSNP rs2150239811, ClinGen allele CA450366512.
Genomic context (GRCh38, chr6:42,978,602, plus strand): 5'-ATCTCCAGTCCCTCCCAGAACTCCCTGGAGTCGCCGCACTGTGCCAGAAACCGCAAAGGA[G>A]GACACCACGGGCGGGGGTGGGGGCCGACTGCTGTCCCCAGACTCTGGACACAGTCTGGCC-3'
Protein context (NP_000278.3, residues 173-193): SSRPPPPPVV[Ser183=]SFAVSGTVRR